The following is an entry in ClinVar:

ClinVar aggregate classification (germline): Likely benign (1 of 4 stars; one submission).

Allele frequency attached by ClinVar (database versions not stated): TOPMed 0.00008; ExAC 0.00009; gnomAD 0.00009; 1000 Genomes Project 0.00020; 1000 Genomes Project 30x 0.00031.
gnomAD v4.1: 116 of 1,592,152 alleles (0.0073%); highest among the groups gnomAD compares: Middle Eastern, 0.017%; no homozygotes.

Submission:

CeGaT Center for Human Genetics Tuebingen
Classification: Likely benign. Last evaluated: 2022-03-01. Review status: criteria provided, single submitter. Criteria: CeGaT Center For Human Genetics Tuebingen Variant Classification Criteria Version 2. Collection method: clinical testing. Allele origin: germline. Affected: yes. Observed: 1 variant allele.
Comment: CENPF: BP4, BP7

NM_016343.4(CENPF):c.8178G>A (p.Gln2726=)

Gene: CENPF (centromere protein F; plus strand). Cytogenetic location: 1q41.
Variant type: single nucleotide variant.
Coding change: c.8178G>A on transcript NM_016343.4 (MANE Select); coding-DNA position 8178, G replaced by A.
Protein change: p.Gln2726=; no amino-acid change (glutamine 2726 retained).
Molecular consequence: synonymous variant.
Genome position (GRCh38, 1-based): chr1:214,652,845, G>A. VCF-style: chr1-214652845-G-A. GRCh37 (hg19) VCF-style: chr1-214826188-G-A.
Identifiers: ClinVar variation 2639895 (VCV002639895.24), dbSNP rs190493764, ClinGen allele CA1391341.